The following is an entry in ClinVar:

NM_181552.4(CUX1):c.3893G>T (p.Arg1298Leu)

Gene: CUX1 (cut like homeobox 1; plus strand). Cytogenetic location: 7q22.1.
Variant type: single nucleotide variant.
Coding change: c.3893G>T on transcript NM_181552.4 (MANE Select); coding-DNA position 3893, G replaced by T.
Protein change: p.Arg1298Leu; replaces arginine 1298 with leucine.
Molecular consequence: missense variant. On other transcripts: intron variant (5).
Genome position (GRCh38, 1-based): chr7:102,248,417, G>T. VCF-style: chr7-102248417-G-T. GRCh37 (hg19) VCF-style: chr7-101891697-G-T.
Other names: c.1256-24949G>T (NM_001913.5); c.1250-24949G>T (NM_181500.4); c.1118-24949G>T (NM_001202545.3); c.1208-24949G>T (NM_001202544.3); c.1139-24949G>T (NM_001202546.3); c.3926G>T, p.Arg1309Leu (NM_001202543.2); short protein forms R1298L, R1309L.
Identifiers: ClinVar variation 4869551 (VCV004869551.1).

ClinVar aggregate classification (germline): Uncertain significance (1 of 4 stars; one submission).

Conditions:
Inborn genetic diseases. Identifiers: MedGen C0950123, MeSH D030342.

Submission:

Ambry Genetics
Classification: Uncertain significance for Inborn genetic diseases. Last evaluated: 2026-05-18. Review status: criteria provided, single submitter. Criteria: Ambry Variant Classification Scheme 2023. Collection method: clinical testing. Allele origin: germline.
Comment: The c.3926G>T (p.R1309L) alteration is located in exon 24 (coding exon 24) of the CUX1 gene. This alteration results from a G to T substitution at nucleotide position 3926, causing the arginine (R) at amino acid position 1309 to be replaced by a leucine (L). This variant was not reported in population-based cohorts in the Genome Aggregation Database (gnomAD). This amino acid position is highly conserved in available vertebrate species. This missense variant is located in a region that has a low rate of benign missense variation (Lek, 2016; Firth, 2009). This alteration is predicted to be deleterious by in silico analysis. Based on insufficient or conflicting evidence, the clinical significance of this alteration remains unclear.